The following is an entry in ClinVar:

NM_213595.4(ISCU):c.338C>T (p.Thr113Met)

Gene: ISCU (iron-sulfur cluster assembly enzyme; plus strand). Cytogenetic location: 12q23.3.
Variant type: single nucleotide variant.
Coding change: c.338C>T on transcript NM_213595.4 (MANE Select); coding-DNA position 338, C replaced by T.
Protein change: p.Thr113Met; replaces threonine 113 with methionine.
Molecular consequence: missense variant. On other transcripts: non-coding transcript variant (1).
Genome position (GRCh38, 1-based): chr12:108,565,430, C>T. VCF-style: chr12-108565430-C-T. GRCh37 (hg19) VCF-style: chr12-108959206-C-T.
Other names: c.338C>T (NM_213595.2); c.338C>T, p.Thr113Met (NM_001301140.1, NM_001301141.1, NM_001320042.1); c.263C>T, p.Thr88Met (NM_014301.4); short protein forms T113M, T88M.
Identifiers: ClinVar variation 2166601 (VCV002166601.3), dbSNP rs749241265, ClinGen allele CA386431831.

ClinVar aggregate classification (germline): Uncertain significance. Review status: criteria provided, multiple submitters, no conflicts (2 of 4 stars). 2 submissions from 2 submitters: Uncertain significance (2). Last evaluated 2025-11-03.

Conditions:
Inborn genetic diseases. Identifiers: MedGen C0950123, MeSH D030342.

gnomAD v4.1: 8 of 1,595,950 alleles (0.0005%); highest among the groups gnomAD compares: Non-Finnish European, 0.00069%; no homozygotes.

Submissions (2):

Ambry Genetics
Classification: Uncertain significance for Inborn genetic diseases. Last evaluated: 2025-11-03. Review status: criteria provided, single submitter. Criteria: Ambry Variant Classification Scheme 2023. Collection method: clinical testing. Allele origin: germline.

Labcorp Genetics (formerly Invitae), Labcorp
Classification: Uncertain significance. Last evaluated: 2022-07-14. Review status: criteria provided, single submitter. Criteria: Invitae Variant Classification Sherloc (09022015). Collection method: clinical testing. Allele origin: germline.
Comment: This sequence change replaces threonine, which is neutral and polar, with methionine, which is neutral and non-polar, at codon 113 of the ISCU protein (p.Thr113Met). This variant is present in population databases (no rsID available, gnomAD 0.003%). This variant has not been reported in the literature in individuals affected with ISCU-related conditions. Algorithms developed to predict the effect of missense changes on protein structure and function are either unavailable or do not agree on the potential impact of this missense change (SIFT: "Deleterious"; PolyPhen-2: "Probably Damaging"; Align-GVGD: "Class C15"). In summary, the available evidence is currently insufficient to determine the role of this variant in disease. Therefore, it has been classified as a Variant of Uncertain Significance.